The following is an entry in ClinVar:

ClinVar aggregate classification (germline): Uncertain significance (1 of 4 stars; one submission).

Conditions:
Hereditary cancer-predisposing syndrome. Also called: Hereditary Cancer Syndrome; Hereditary neoplastic syndrome; Neoplastic Syndromes, Hereditary; Tumor predisposition. Identifiers: Orphanet 140162, MedGen C0027672, MeSH D009386, MONDO:0015356.

Submission:

Ambry Genetics
Classification: Uncertain significance for Hereditary cancer-predisposing syndrome. Last evaluated: 2024-02-06. Review status: criteria provided, single submitter. Criteria: Ambry Variant Classification Scheme 2023. Collection method: clinical testing. Allele origin: germline.
Comment: The p.T142R variant (also known as c.425C>G), located in coding exon 1 of the CDKN1B gene, results from a C to G substitution at nucleotide position 425. The threonine at codon 142 is replaced by arginine, an amino acid with similar properties. This amino acid position is conserved. In addition, this alteration is predicted to be tolerated by in silico analysis. Since supporting evidence is limited at this time, the clinical significance of this alteration remains unclear.

NM_004064.5(CDKN1B):c.425C>G (p.Thr142Arg)

Gene: CDKN1B (cyclin dependent kinase inhibitor 1B; plus strand). Cytogenetic location: 12p13.1.
Variant type: single nucleotide variant.
Coding change: c.425C>G on transcript NM_004064.5 (MANE Select); coding-DNA position 425, C replaced by G.
Protein change: p.Thr142Arg; replaces threonine 142 with arginine.
Molecular consequence: missense variant.
Genome position (GRCh38, 1-based): chr12:12,718,264, C>G. VCF-style: chr12-12718264-C-G. GRCh37 (hg19) VCF-style: chr12-12871198-C-G.
Other names: short protein forms T142R.
Identifiers: ClinVar variation 1739152 (VCV001739152.2), dbSNP rs771115907, ClinGen allele CA383970724.